The following is an entry in ClinVar:

ClinVar aggregate classification (germline): Uncertain significance (1 of 4 stars; one submission).

Conditions:
RIPOR2-related disorder. Also called: RIPOR2-related condition.

Submission:

PreventionGenetics, part of Exact Sciences
Classification: Uncertain significance for RIPOR2-related condition. Last evaluated: 2025-06-19. Review status: criteria provided, single submitter. Criteria: ACMG Guidelines, 2015. Collection method: clinical testing. Allele origin: germline.
Comment: The RIPOR2 c.1259G>A variant is predicted to result in the amino acid substitution p.Gly420Glu. To our knowledge, this variant has not been reported in the literature. This variant is reported in 0.0011% of alleles in individuals of European (Non-Finnish) descent in gnomAD. At this time, the clinical significance of this variant is uncertain due to the absence of conclusive functional and genetic evidence.

NM_001286445.3(RIPOR2):c.1196G>A (p.Gly399Glu)

Gene: RIPOR2 (RHO family interacting cell polarization regulator 2; minus strand). Cytogenetic location: 6p22.3.
Variant type: single nucleotide variant.
Coding change: c.1196G>A on transcript NM_001286445.3 (MANE Select); coding-DNA position 1196, G replaced by A.
Protein change: p.Gly399Glu; replaces glycine 399 with glutamic acid.
Molecular consequence: missense variant.
Genome position (GRCh38, 1-based): chr6:24,843,523, C>T on the plus strand (G>A on the coding strand, the complement: RIPOR2 is on the minus strand). VCF-style: chr6-24843523-C-T. GRCh37 (hg19) VCF-style: chr6-24843751-C-T.
Other names: c.1211G>A, p.Gly404Glu (NM_001286446.3); c.1109G>A, p.Gly370Glu (NM_001286447.2, NM_001346031.2, NM_001346032.2 and 1 more transcripts); c.1259G>A, p.Gly420Glu (NM_014722.5); short protein forms G399E, G420E, G404E, G370E.
Identifiers: ClinVar variation 4982479 (VCV004982479.1).
Genomic context (GRCh38, chr6:24,843,523, plus strand): 5'-TCCCCGTTGGGCAGGTCACTGAAGCTGAGCGACAGTGGCATTTTCTCCTCGGCTGCCTTT[C>T]CATTTTCAAAGATGTCATCAGGTAGATTTGACTATAGATAAAAGATACCTCATTATTATT-3'
Protein context (NP_001273374.1, residues 389-409): SNLPDDIFEN[Gly399Glu]KAAEEKMPLS